The following is an entry in ClinVar:

ClinVar aggregate classification (germline): Likely benign. Review status: criteria provided, multiple submitters, no conflicts (2 of 4 stars). 3 submissions from 3 submitters: Likely benign (3). Last evaluated 2024-08-21.

Conditions:
Fanconi anemia complementation group C (FANCC). Also called: Fanconi anemia, group C; FANCONI PANCYTOPENIA, TYPE 3; FACC; FANCC-Related Fanconi Anemia. Identifiers: Orphanet 84, MedGen C3468041, MONDO:0009213, OMIM 227645.

Allele frequency attached by ClinVar (database versions not stated): gnomAD exomes 0.00003; gnomAD 0.00025 and 0.00032; 1000 Genomes Project 30x 0.00031; TOPMed 0.00038; 1000 Genomes Project 0.00040.
gnomAD v4.1: 67 of 1,254,268 alleles (0.0053%); highest among the groups gnomAD compares: African/African-American, 0.089%; no homozygotes.

Submissions (3):

Blueprint Genetics
Classification: Likely benign. Last evaluated: 2024-08-21. Review status: criteria provided, single submitter. Criteria: ACMG Guidelines, 2015. Collection method: clinical testing. Allele origin: germline.

Fulgent Genetics
Classification: Likely benign for Fanconi anemia complementation group C. Last evaluated: 2021-10-15. Review status: criteria provided, single submitter. Criteria: ACMG Guidelines, 2015. Collection method: clinical testing. Allele origin: unknown.

GeneDx
Classification: Likely benign. Last evaluated: 2017-12-04. Review status: criteria provided, single submitter. Criteria: GeneDx Variant Classification (06012015). Collection method: clinical testing. Allele origin: germline. Affected: yes.
Comment: This variant is considered likely benign or benign based on one or more of the following criteria: it is a conservative change, it occurs at a poorly conserved position in the protein, it is predicted to be benign by multiple in silico algorithms, and/or has population frequency not consistent with disease.

NM_000136.3(FANCC):c.-78-18T>G

Gene: FANCC (FA complementation group C; minus strand). Cytogenetic location: 9q22.32.
Variant type: single nucleotide variant.
Coding change: c.-78-18T>G on transcript NM_000136.3 (MANE Select); 18 bases into the intron before 78 bases upstream of the start codon, T replaced by G.
Molecular consequence: intron variant.
Genome position (GRCh38, 1-based): chr9:95,249,387, A>C on the plus strand (T>G on the coding strand, the complement: FANCC is on the minus strand). VCF-style: chr9-95249387-A-C. GRCh37 (hg19) VCF-style: chr9-98011669-A-C.
Other names: c.-78-18T>G (NM_001243743.2, NM_001243744.2).
Identifiers: ClinVar variation 381337 (VCV000381337.3), dbSNP rs560839822, ClinGen allele CA16605912.
Genomic context (GRCh38, chr9:95,249,387, plus strand): 5'-CAGCCTGTCCAGCACTGAAGGAAATGGTCGGCACACATTAAATCTGTAAGAAAGGGAACA[A>C]ATAGAAGCATTTCTAAAAGGCTCTTTTATCAGTGCCTTCACGACCCATTGATGGGTGAAG-3'